The following is an entry in ClinVar:

NM_020693.4(DSCAML1):c.4657G>T (p.Ala1553Ser)

Gene: DSCAML1 (DS cell adhesion molecule like 1; minus strand). Cytogenetic location: 11q23.3.
Variant type: single nucleotide variant.
Coding change: c.4657G>T on transcript NM_020693.4 (MANE Select); coding-DNA position 4657, G replaced by T.
Protein change: p.Ala1553Ser; replaces alanine 1553 with serine.
Molecular consequence: missense variant.
Genome position (GRCh38, 1-based): chr11:117,437,185, C>A on the plus strand (G>T on the coding strand, the complement: DSCAML1 is on the minus strand). VCF-style: chr11-117437185-C-A. GRCh37 (hg19) VCF-style: chr11-117307901-C-A.
Other names: short protein forms A1553S.
Identifiers: ClinVar variation 2777563 (VCV002777563.3), dbSNP rs2542992827, ClinGen allele CA382758628.

ClinVar aggregate classification (germline): Uncertain significance (1 of 4 stars; one submission).

Allele frequency attached by ClinVar (database versions not stated): gnomAD exomes below 0.00001.
gnomAD v4.1: 2 of 1,614,242 alleles (0.00012%); highest among the groups gnomAD compares: Admixed American, 0.0017%; no homozygotes.

Submission:

Labcorp Genetics (formerly Invitae), Labcorp
Classification: Uncertain significance. Last evaluated: 2023-07-25. Review status: criteria provided, single submitter. Criteria: Invitae Variant Classification Sherloc (09022015). Collection method: clinical testing. Allele origin: germline.
Comment: An algorithm developed to predict the effect of missense changes on protein structure and function (PolyPhen-2) suggests that this variant is likely to be disruptive. In summary, the available evidence is currently insufficient to determine the role of this variant in disease. Therefore, it has been classified as a Variant of Uncertain Significance. This variant has not been reported in the literature in individuals affected with DSCAML1-related conditions. This variant is not present in population databases (gnomAD no frequency). This sequence change replaces alanine, which is neutral and non-polar, with serine, which is neutral and polar, at codon 1613 of the DSCAML1 protein (p.Ala1613Ser).